The following is an entry in ClinVar:

NM_002784.5(PSG9):c.713A>G (p.Lys238Arg)

Gene: PSG9 (pregnancy specific beta-1-glycoprotein 9; minus strand). Cytogenetic location: 19q13.31.
Variant type: single nucleotide variant.
Coding change: c.713A>G on transcript NM_002784.5 (MANE Select); coding-DNA position 713, A replaced by G.
Protein change: p.Lys238Arg; replaces lysine 238 with arginine.
Molecular consequence: missense variant. On other transcripts: intron variant (3).
Genome position (GRCh38, 1-based): chr19:43,259,132, T>C on the plus strand (A>G on the coding strand, the complement: PSG9 is on the minus strand). VCF-style: chr19-43259132-T-C. GRCh37 (hg19) VCF-style: chr19-43763284-T-C.
Other names: c.434A>G, p.Lys145Arg (NM_001301707.2); c.431-676A>G (NM_001301709.2); c.710-676A>G (NM_001301708.2, NM_001411075.1); short protein forms K145R, K238R.
Identifiers: ClinVar variation 4862607 (VCV004862607.1).

ClinVar aggregate classification (germline): Uncertain significance (1 of 4 stars; one submission).

gnomAD v4.1: 36 of 1,590,272 alleles (0.0023%); highest among the groups gnomAD compares: Non-Finnish European, 0.003%; no homozygotes.

Submission:

Ambry Genetics
Classification: Uncertain significance. Last evaluated: 2026-04-23. Review status: criteria provided, single submitter. Criteria: Ambry Variant Classification Scheme 2023. Collection method: clinical testing. Allele origin: germline.
Comment: The c.713A>G (p.K238R) alteration is located in exon 4 (coding exon 4) of the PSG9 gene. This alteration results from a A to G substitution at nucleotide position 713, causing the lysine (K) at amino acid position 238 to be replaced by an arginine (R). Based on data from gnomAD, the G allele has an overall frequency of 0.001% (3/245752) total alleles studied. The highest observed frequency was 0.003% (3/112694) of European (non-Finnish) alleles. Based on insufficient or conflicting evidence, the clinical significance of this alteration remains unclear.